The following is an entry in ClinVar:

NM_014003.4(DHX38):c.3530C>T (p.Ala1177Val)

Gene: DHX38 (DEAH-box helicase 38; plus strand). Cytogenetic location: 16q22.2.
Variant type: single nucleotide variant.
Coding change: c.3530C>T on transcript NM_014003.4 (MANE Select); coding-DNA position 3530, C replaced by T.
Protein change: p.Ala1177Val; replaces alanine 1177 with valine.
Molecular consequence: missense variant.
Genome position (GRCh38, 1-based): chr16:72,111,008, C>T. VCF-style: chr16-72111008-C-T. GRCh37 (hg19) VCF-style: chr16-72144907-C-T.
Other names: short protein forms A1177V.
Identifiers: ClinVar variation 948167 (VCV000948167.8), dbSNP rs2042248204, ClinGen allele CA396718501.

ClinVar aggregate classification (germline): Uncertain significance (1 of 4 stars; one submission).

Allele frequency attached by ClinVar (database versions not stated): TOPMed below 0.00001; gnomAD exomes 0.00001.

Submission:

Labcorp Genetics (formerly Invitae), Labcorp
Classification: Uncertain significance. Last evaluated: 2024-02-24. Review status: criteria provided, single submitter. Criteria: Invitae Variant Classification Sherloc (09022015). Collection method: clinical testing. Allele origin: germline.
Comment: This sequence change replaces alanine, which is neutral and non-polar, with valine, which is neutral and non-polar, at codon 1177 of the DHX38 protein (p.Ala1177Val). This variant is not present in population databases (gnomAD no frequency). This variant has not been reported in the literature in individuals affected with DHX38-related conditions. ClinVar contains an entry for this variant (Variation ID: 948167). Advanced modeling of protein sequence and biophysical properties (such as structural, functional, and spatial information, amino acid conservation, physicochemical variation, residue mobility, and thermodynamic stability) performed at Invitae indicates that this missense variant is not expected to disrupt DHX38 protein function with a negative predictive value of 80%. In summary, the available evidence is currently insufficient to determine the role of this variant in disease. Therefore, it has been classified as a Variant of Uncertain Significance.